The following is an entry in ClinVar:

ClinVar aggregate classification (germline): Conflicting classifications of pathogenicity. Review status: criteria provided, conflicting classifications (1 of 4 stars). 6 submissions from 6 submitters: Uncertain significance (2); Likely benign (2). 2 of the submissions do not count toward it. Last evaluated 2026-01-13.

Conditions:
POMGNT1-related disorder. Also called: POMGNT1-related disorders; POMGNT1-related condition. Identifiers: MedGen CN239299.
Muscular dystrophy-dystroglycanopathy (congenital with impaired intellectual development), type B, 3. Also called: Muscular dystrophy-dystroglycanopathy (congenital with intellectual disability), type B3; MUSCULAR DYSTROPHY, CONGENITAL, POMGNT1-RELATED. Identifiers: MedGen C3150412, MONDO:0013155, OMIM 613151.
Autosomal recessive limb-girdle muscular dystrophy type 2O. Also called: MUSCULAR DYSTROPHY-DYSTROGLYCANOPATHY, LIMB-GIRDLE, POMGNT1-RELATED; Limb-Girdle Muscular Dystrophy Type 3C; MUSCULAR DYSTROPHY-DYSTROGLYCANOPATHY (LIMB-GIRDLE), TYPE C, 3. Identifiers: Orphanet 206564, MedGen C3150417, MONDO:0013161, OMIM 613157.
Muscle eye brain disease (MEB). Also called: Santavuori congenital muscular dystrophy. Identifiers: Orphanet 588, Orphanet 899, MedGen C0457133, MONDO:0018939.

Allele frequency attached by ClinVar (database versions not stated): gnomAD exomes 0.00003 and 0.00002; TOPMed 0.00021; ExAC 0.00002; gnomAD 0.00026 and 0.00027.
gnomAD v4.1: 68 of 1,614,148 alleles (0.0042%); highest among the groups gnomAD compares: African/African-American, 0.071%; 1 homozygote.

Submissions (6):

Labcorp Genetics (formerly Invitae), Labcorp
Classification: Likely benign for Autosomal recessive limb-girdle muscular dystrophy type 2O; Muscular dystrophy-dystroglycanopathy (congenital with impaired intellectual development), type B, 3. Last evaluated: 2026-01-13. Review status: criteria provided, single submitter. Criteria: Invitae Variant Classification Sherloc (09022015). Collection method: clinical testing. Allele origin: germline.

Blueprint Genetics
Classification: Likely benign. Last evaluated: 2024-07-30. Review status: criteria provided, single submitter. Criteria: ACMG Guidelines, 2015. Collection method: clinical testing. Allele origin: germline.

Eurofins Ntd Llc (ga)
Classification: Uncertain significance. Last evaluated: 2016-09-26. Review status: criteria provided, single submitter. Criteria: EGL Classification Definitions 2015. Collection method: clinical testing. Allele origin: germline. Observed: 2 variant alleles, 2 heterozygotes.

Genetic Services Laboratory, University of Chicago
Classification: Uncertain significance. Last evaluated: 2016-08-09. Review status: criteria provided, single submitter. Criteria: ACMG Guidelines, 2015. Collection method: clinical testing. Allele origin: germline. Affected: no.

PreventionGenetics, part of Exact Sciences
Classification: Likely benign for POMGNT1-related condition. Last evaluated: 2021-07-08. Review status: no assertion criteria provided. Collection method: clinical testing. Allele origin: germline. Not counted in ClinVar's aggregate classification.
Comment: This variant is classified as likely benign based on ACMG/AMP sequence variant interpretation guidelines (Richards et al. 2015 PMID: 25741868, with internal and published modifications).

Natera, Inc.
Classification: Likely benign for Muscle-eye-brain disease. Last evaluated: 2020-11-07. Review status: no assertion criteria provided. Collection method: clinical testing. Allele origin: germline. Not counted in ClinVar's aggregate classification.

NM_017739.4(POMGNT1):c.1284+9G>C

Genes: POMGNT1 (protein O-linked mannose N-acetylglucosaminyltransferase 1 (beta 1,2-); minus strand), TSPAN1 (tetraspanin 1; plus strand). Cytogenetic location: 1p34.1.
Variant type: single nucleotide variant.
Coding change: c.1284+9G>C on transcript NM_017739.4 (MANE Select); 9 bases into the intron after coding-DNA position 1284, G replaced by C.
Molecular consequence: intron variant.
Genome position (GRCh38, 1-based): chr1:46,192,509, C>G on the plus strand (G>C on the coding strand, the complement: POMGNT1 is on the minus strand). VCF-style: chr1-46192509-C-G. GRCh37 (hg19) VCF-style: chr1-46658181-C-G.
Other names: c.1284+9G>C (NM_001243766.2, NM_001438686.1, NM_001438688.1 and 4 more transcripts); c.1218+9G>C (NM_001290129.3, NM_001438691.1, NM_001438692.1); c.855+9G>C (NM_001290130.2).
Identifiers: ClinVar variation 290485 (VCV000290485.23), dbSNP rs565797493, ClinGen allele CA833417.
Genomic context (GRCh38, chr1:46,192,509, plus strand): 5'-TGCCATAGTGGGAGGTATTAGCTGAGGCCTCATAAACTCGCCTGCTAAACCCTGGTCATT[C>G]CAGCCTACCTGGTCATTCCAGGCAGAGATGCAGTACAGGCTGTCATCCTCCTCCAGTAGG-3'